The following is an entry in ClinVar:

ClinVar aggregate classification (germline): Uncertain significance (1 of 4 stars; one submission).

Conditions:
Idiopathic generalized epilepsy. Also called: EIG; Generalised epilepsy. Identifiers: MedGen C0270850, MONDO:0005579, OMIM 600669.

gnomAD v4.1: 1 of 1,597,674 alleles (0.000063%); highest among the groups gnomAD compares: Non-Finnish European, 0.000085%; no homozygotes.

Submission:

Labcorp Genetics (formerly Invitae), Labcorp
Classification: Uncertain significance for Idiopathic generalized epilepsy. Last evaluated: 2024-02-17. Review status: criteria provided, single submitter. Criteria: Invitae Variant Classification Sherloc (09022015). Collection method: clinical testing. Allele origin: germline.
Comment: This sequence change replaces arginine, which is basic and polar, with glycine, which is neutral and non-polar, at codon 392 of the GABRD protein (p.Arg392Gly). This variant is not present in population databases (gnomAD no frequency). This variant has not been reported in the literature in individuals affected with GABRD-related conditions. ClinVar contains an entry for this variant (Variation ID: 529510). An algorithm developed to predict the effect of missense changes on protein structure and function (PolyPhen-2) suggests that this variant is likely to be tolerated. In summary, the available evidence is currently insufficient to determine the role of this variant in disease. Therefore, it has been classified as a Variant of Uncertain Significance.

NM_000815.5(GABRD):c.1174A>G (p.Arg392Gly)

Gene: GABRD (gamma-aminobutyric acid type A receptor subunit delta; plus strand). Cytogenetic location: 1p36.33.
Variant type: single nucleotide variant.
Coding change: c.1174A>G on transcript NM_000815.5 (MANE Select); coding-DNA position 1174, A replaced by G.
Protein change: p.Arg392Gly; replaces arginine 392 with glycine.
Molecular consequence: missense variant.
Genome position (GRCh38, 1-based): chr1:2,030,097, A>G. VCF-style: chr1-2030097-A-G. GRCh37 (hg19) VCF-style: chr1-1961536-A-G.
Other names: short protein forms R392G.
Identifiers: ClinVar variation 529510 (VCV000529510.8), dbSNP rs1553123940, ClinGen allele CA337960672.